The following is an entry in ClinVar:

NM_203487.3(PCDH9):c.1585G>T (p.Val529Leu)

Gene: PCDH9 (protocadherin 9; minus strand). Cytogenetic location: 13q21.32.
Variant type: single nucleotide variant.
Coding change: c.1585G>T on transcript NM_203487.3 (MANE Select); coding-DNA position 1585, G replaced by T.
Protein change: p.Val529Leu; replaces valine 529 with leucine.
Molecular consequence: missense variant.
Genome position (GRCh38, 1-based): chr13:67,226,856, C>A on the plus strand (G>T on the coding strand, the complement: PCDH9 is on the minus strand). VCF-style: chr13-67226856-C-A. GRCh37 (hg19) VCF-style: chr13-67800988-C-A.
Other names: c.1585G>T, p.Val529Leu (NM_001318372.2, NM_001318373.2, NM_001318374.2 and 1 more transcripts); short protein forms V529L.
Identifiers: ClinVar variation 4986869 (VCV004986869.1).

ClinVar aggregate classification (germline): Uncertain significance (1 of 4 stars; one submission).

Conditions:
PCDH9-related disorder. Also called: PCDH9-related condition.

Submission:

PreventionGenetics, part of Exact Sciences
Classification: Uncertain significance for PCDH9-related condition. Last evaluated: 2026-08-06. Review status: criteria provided, single submitter. Criteria: ACMG Guidelines, 2015. Collection method: clinical testing. Allele origin: germline.
Comment: The PCDH9 c.1585G>T variant is predicted to result in the amino acid substitution p.Val529Leu. To our knowledge, this variant has not been reported in the literature or in a large population database (gnomAD), indicating this variant is rare. At this time, the clinical significance of this variant is uncertain due to the absence of conclusive functional and genetic evidence.